The following is an entry in ClinVar:

NM_001330260.2(SCN8A):c.2194A>G (p.Ile732Val)

Gene: SCN8A (sodium voltage-gated channel alpha subunit 8; plus strand). Cytogenetic location: 12q13.13.
Variant type: single nucleotide variant.
Coding change: c.2194A>G on transcript NM_001330260.2 (MANE Select); coding-DNA position 2194, A replaced by G.
Protein change: p.Ile732Val; replaces isoleucine 732 with valine.
Molecular consequence: missense variant.
Genome position (GRCh38, 1-based): chr12:51,751,417, A>G. VCF-style: chr12-51751417-A-G. GRCh37 (hg19) VCF-style: chr12-52145201-A-G.
Other names: c.2194A>G, p.Ile732Val (NM_001177984.3, NM_001369788.1, NM_014191.4); short protein forms I732V.
Identifiers: ClinVar variation 1383052 (VCV001383052.7), dbSNP rs1375877011, ClinGen allele CA384879823.

ClinVar aggregate classification (germline): Uncertain significance (1 of 4 stars; one submission).

Conditions:
Early-infantile DEE. Also called: Early infantile epileptic encephalopathy with suppression bursts; Early infantile epileptic encephalopathy; Ohtahara syndrome. Identifiers: Orphanet 1934, MedGen C0393706, MONDO:0800491.

Submission:

Labcorp Genetics (formerly Invitae), Labcorp
Classification: Uncertain significance for Early-infantile DEE. Last evaluated: 2023-10-17. Review status: criteria provided, single submitter. Criteria: Invitae Variant Classification Sherloc (09022015). Collection method: clinical testing. Allele origin: germline.
Comment: This sequence change replaces isoleucine, which is neutral and non-polar, with valine, which is neutral and non-polar, at codon 732 of the SCN8A protein (p.Ile732Val). This variant is not present in population databases (gnomAD no frequency). This variant has not been reported in the literature in individuals affected with SCN8A-related conditions. ClinVar contains an entry for this variant (Variation ID: 1383052). Advanced modeling of protein sequence and biophysical properties (such as structural, functional, and spatial information, amino acid conservation, physicochemical variation, residue mobility, and thermodynamic stability) performed at Invitae indicates that this missense variant is not expected to disrupt SCN8A protein function. In summary, the available evidence is currently insufficient to determine the role of this variant in disease. Therefore, it has been classified as a Variant of Uncertain Significance.